The following is an entry in ClinVar:

NM_001197104.2(KMT2A):c.3853C>T (p.Gln1285Ter)

Gene: KMT2A (lysine methyltransferase 2A; plus strand). Cytogenetic location: 11q23.3.
Variant type: single nucleotide variant.
Coding change: c.3853C>T on transcript NM_001197104.2 (MANE Select); coding-DNA position 3853, C replaced by T.
Protein change: p.Gln1285Ter; replaces glutamine 1285 with a stop codon.
Molecular consequence: nonsense.
Genome position (GRCh38, 1-based): chr11:118,481,933, C>T. VCF-style: chr11-118481933-C-T. GRCh37 (hg19) VCF-style: chr11-118352648-C-T.
Other names: c.3853C>T, p.Gln1285Ter (NM_005933.4); short protein forms Q1285*.
Identifiers: ClinVar variation 1320225 (VCV001320225.1), dbSNP rs2134300616, ClinGen allele CA382828143.

ClinVar aggregate classification (germline): Likely pathogenic (1 of 4 stars; one submission).

Conditions:
Wiedemann-Steiner syndrome (WDSTS). Also called: Growth deficiency and mental retardation with facial dysmorphism. Identifiers: Orphanet 319182, MedGen C1854630, MONDO:0011518, OMIM 605130.

Submission:

3billion
Classification: Likely pathogenic for Wiedemann-Steiner syndrome. Last evaluated: 2021-10-02. Review status: criteria provided, single submitter. Criteria: ACMG Guidelines, 2015. Collection method: clinical testing. Allele origin: unknown. Affected: yes. Observed: 1 heterozygote.
Comment: Stop-gained (nonsense): predicted to result in a loss or disruption of normal protein function through nonsense-mediated decay (NMD) or protein truncation. Multiple pathogenic variants are reported downstream of the variant (PVS1_VS). It is not observed in the gnomAD v2.1.1 dataset (PM2). Therefore, this variant is classified as likely pathogenic according to the recommendation of ACMG/AMP guideline.